The following is an entry in ClinVar:

NM_017841.4(SDHAF2):c.487G>C (p.Glu163Gln)

Gene: SDHAF2 (succinate dehydrogenase complex assembly factor 2; plus strand). Cytogenetic location: 11q12.2.
Variant type: single nucleotide variant.
Coding change: c.487G>C on transcript NM_017841.4 (MANE Select); coding-DNA position 487, G replaced by C.
Protein change: p.Glu163Gln; replaces glutamic acid 163 with glutamine.
Molecular consequence: missense variant.
Genome position (GRCh38, 1-based): chr11:61,446,057, G>C. VCF-style: chr11-61446057-G-C. GRCh37 (hg19) VCF-style: chr11-61213529-G-C.
Other names: short protein forms E163Q.
Identifiers: ClinVar variation 825254 (VCV000825254.4), dbSNP rs1590769371, ClinGen allele CA380685621.

ClinVar aggregate classification (germline): Uncertain significance (1 of 4 stars; one submission).

Conditions:
Hereditary cancer-predisposing syndrome. Also called: Neoplastic Syndromes, Hereditary; Tumor predisposition; Hereditary neoplastic syndrome; Hereditary Cancer Syndrome. Identifiers: Orphanet 140162, MedGen C0027672, MeSH D009386, MONDO:0015356.

Submission:

Ambry Genetics
Classification: Uncertain significance for Hereditary cancer-predisposing syndrome. Last evaluated: 2019-04-04. Review status: criteria provided, single submitter. Criteria: Ambry Variant Classification Scheme 2023. Collection method: clinical testing. Allele origin: germline.
Comment: The p.E163Q variant (also known as c.487G>C), located in coding exon 4 of the SDHAF2 gene, results from a G to C substitution at nucleotide position 487. The glutamic acid at codon 163 is replaced by glutamine, an amino acid with highly similar properties. This amino acid position is well conserved in available vertebrate species. In addition, this alteration is predicted to be tolerated by in silico analysis. Since supporting evidence is limited at this time, the clinical significance of this alteration remains unclear.